The following is an entry in ClinVar:

ClinVar aggregate classification (germline): Uncertain significance (1 of 4 stars; one submission).

Allele frequency attached by ClinVar (database versions not stated): gnomAD exomes below 0.00001.
gnomAD v4.1: 2 of 1,613,328 alleles (0.00012%); highest among the groups gnomAD compares: East Asian, 0.0022%; no homozygotes.

Submission:

Ambry Genetics
Classification: Uncertain significance. Last evaluated: 2024-09-08. Review status: criteria provided, single submitter. Criteria: Ambry Variant Classification Scheme 2023. Collection method: clinical testing. Allele origin: germline.
Comment: The p.A718T variant (also known as c.2152G>A), located in coding exon 11 of the PALLD gene, results from a G to A substitution at nucleotide position 2152. The alanine at codon 718 is replaced by threonine, an amino acid with similar properties. This amino acid position is conserved. In addition, the in silico prediction for this alteration is inconclusive. Since supporting evidence is limited at this time, the clinical significance of this alteration remains unclear.

NM_001166108.2(PALLD):c.2152G>A (p.Ala718Thr)

Genes: CBR4 (carbonyl reductase 4; minus strand), PALLD (palladin, cytoskeletal associated protein; plus strand). Cytogenetic location: 4q32.3.
Variant type: single nucleotide variant.
Coding change: c.2152G>A on transcript NM_001166108.2 (MANE Select); coding-DNA position 2152, G replaced by A.
Protein change: p.Ala718Thr; replaces alanine 718 with threonine.
Molecular consequence: missense variant.
Genome position (GRCh38, 1-based): chr4:168,894,630, G>A. VCF-style: chr4-168894630-G-A. GRCh37 (hg19) VCF-style: chr4-169815781-G-A.
Other names: c.1006G>A, p.Ala336Thr (NM_001166109.2); c.691G>A, p.Ala231Thr (NM_001166110.2); c.31G>A, p.Ala11Thr (NM_001367567.1, NM_001367568.1, NM_001367569.1 and 1 more transcripts); c.2152G>A, p.Ala718Thr (NM_016081.4); short protein forms A336T, A11T, A231T, A718T.
Identifiers: ClinVar variation 1786778 (VCV001786778.3), dbSNP rs2533638701, ClinGen allele CA358797725.